The following is an entry in ClinVar:

NM_033159.4(HYAL1):c.572G>A (p.Arg191Gln)

Gene: HYAL1 (hyaluronidase 1; minus strand). Cytogenetic location: 3p21.31.
Variant type: single nucleotide variant.
Coding change: c.572G>A on transcript NM_033159.4 (MANE Select); coding-DNA position 572, G replaced by A.
Protein change: p.Arg191Gln; replaces arginine 191 with glutamine.
Molecular consequence: missense variant. On other transcripts: non-coding transcript variant (1), intron variant (1).
Genome position (GRCh38, 1-based): chr3:50,302,385, C>T on the plus strand (G>A on the coding strand, the complement: HYAL1 is on the minus strand). VCF-style: chr3-50302385-C-T. GRCh37 (hg19) VCF-style: chr3-50339816-C-T.
Other names: c.572G>A, p.Arg191Gln (NM_007312.3, NM_153281.2, NM_153282.3); c.26G>A, p.Arg9Gln (NM_153283.3); c.-26-180G>A (NM_153285.3); c.572G>A (NM_153281.1); short protein forms R191Q, R9Q.
Identifiers: ClinVar variation 2199948 (VCV002199948.4), dbSNP rs147106267, ClinGen allele CA2415916.
Genomic context (GRCh38, chr3:50,302,385, plus strand): 5'-TCATAGTTGTAGCAGTCAGGGAAGCCATAGAAGCCCCAGAGGCCGCGAGGACGCAGTGCC[C>T]GCCCCAGCTGGAGGGTGCCTGCCATCCAGGCCCGTGCAGCTCCCTGGAACTGGTCCTGGG-3'
Protein context (NP_149349.2, residues 181-201): AWMAGTLQLG[Arg191Gln]ALRPRGLWGF

ClinVar aggregate classification (germline): Conflicting classifications of pathogenicity. Review status: criteria provided, conflicting classifications (1 of 4 stars). 2 submissions from 2 submitters: Uncertain significance (1); Likely benign (1). Last evaluated 2025-05-05.

Conditions:
Deficiency of hyaluronoglucosaminidase (MPS9). Also called: MPS IX; Mucopolysaccharidosis type 9; HYALURONIDASE DEFICIENCY. Identifiers: Orphanet 67041, MedGen C1291490, MONDO:0011093, OMIM 601492.

Allele frequency attached by ClinVar (database versions not stated): gnomAD 0.00001; gnomAD exomes 0.00001; ExAC 0.00002; TOPMed 0.00002; ESP Exome Variant Server 0.00008.
gnomAD v4.1: 20 of 1,613,660 alleles (0.0012%); highest among the groups gnomAD compares: Middle Eastern, 0.017%; 1 homozygote.

Submissions (2):

Labcorp Genetics (formerly Invitae), Labcorp
Classification: Uncertain significance for Deficiency of hyaluronoglucosaminidase. Last evaluated: 2025-05-05. Review status: criteria provided, single submitter. Criteria: Invitae Variant Classification Sherloc (09022015). Collection method: clinical testing. Allele origin: germline.
Comment: This sequence change replaces arginine, which is basic and polar, with glutamine, which is neutral and polar, at codon 191 of the HYAL1 protein (p.Arg191Gln). This variant is present in population databases (rs147106267, gnomAD 0.006%). This variant has not been reported in the literature in individuals affected with HYAL1-related conditions. ClinVar contains an entry for this variant (Variation ID: 2199948). An algorithm developed to predict the effect of missense changes on protein structure and function outputs the following: PolyPhen-2: "Benign". The glutamine amino acid residue is found in multiple mammalian species, which suggests that this missense change does not adversely affect protein function. In summary, the available evidence is currently insufficient to determine the role of this variant in disease. Therefore, it has been classified as a Variant of Uncertain Significance.

Ambry Genetics
Classification: Likely benign. Last evaluated: 2023-04-18. Review status: criteria provided, single submitter. Criteria: Ambry Variant Classification Scheme 2023. Collection method: clinical testing. Allele origin: germline.